The following is an entry in ClinVar:

NM_000719.7(CACNA1C):c.5343C>T (p.Pro1781=)

Genes: CACNA1C (calcium voltage-gated channel subunit alpha1 C; plus strand), CACNA1C-AS1 (CACNA1C antisense RNA 1; minus strand). Cytogenetic location: 12p13.33.
Variant type: single nucleotide variant.
Coding change: c.5343C>T on transcript NM_000719.7 (MANE Select); coding-DNA position 5343, C replaced by T.
Protein change: p.Pro1781=; no amino-acid change (proline 1781 retained).
Molecular consequence: synonymous variant.
Genome position (GRCh38, 1-based): chr12:2,679,695, C>T. VCF-style: chr12-2679695-C-T. GRCh37 (hg19) VCF-style: chr12-2788861-C-T.
Other names: c.5487C>T, p.Pro1829= (NM_001129827.2, NM_199460.4); c.5466C>T, p.Pro1822= (NM_001129829.2); c.5343C>T, p.Pro1781= (NM_001129830.3, NM_001129840.2, NM_001129841.2 and 4 more transcripts); c.5427C>T, p.Pro1809= (NM_001129831.2); c.5403C>T, p.Pro1801= (NM_001129832.2); c.5400C>T, p.Pro1800= (NM_001129833.2, NM_001129834.2, NM_001129835.2); c.5394C>T, p.Pro1798= (NM_001129836.2); c.5367C>T, p.Pro1789= (NM_001129837.2, NM_001129838.2); and 3 more.
Identifiers: ClinVar variation 1170583 (VCV001170583.12), dbSNP rs374858814, ClinGen allele CA6389758.

ClinVar aggregate classification (germline): Benign/Likely benign. Review status: criteria provided, multiple submitters, no conflicts (2 of 4 stars). 3 submissions from 3 submitters: Benign (2); Likely benign (1). Last evaluated 2026-01-26.

Conditions:
CACNA1C-related disorder. Also called: CACNA1C-related condition; CACNA1C-related disorders. Identifiers: MedGen CN381092, MONDO:0700321.
Cardiovascular phenotype. Identifiers: MedGen CN230736.
Long QT syndrome (LQTS). Identifiers: MedGen C0023976, MeSH D008133, MONDO:0002442. Disease mechanism: loss of function. Inheritance: Various modes of inheritance.

Allele frequency attached by ClinVar (database versions not stated): gnomAD exomes 0.00002 and 0.00011; gnomAD 0.00003; TOPMed 0.00004; ESP Exome Variant Server 0.00008; ExAC 0.00014; 1000 Genomes Project 30x 0.00016; 1000 Genomes Project 0.00020.
gnomAD v4.1: 41 of 1,611,962 alleles (0.0025%); highest among the groups gnomAD compares: East Asian, 0.049%; no homozygotes.

Submissions (3):

PreventionGenetics, part of Exact Sciences
Classification: Likely benign for CACNA1C-related condition. Last evaluated: 2026-01-26. Review status: criteria provided, single submitter. Criteria: ACMG Guidelines, 2015. Collection method: clinical testing. Allele origin: germline.
Comment: This variant is classified as likely benign based on ACMG/AMP sequence variant interpretation guidelines (Richards et al. 2015 PMID: 25741868, with internal and published modifications).

Labcorp Genetics (formerly Invitae), Labcorp
Classification: Benign for Long QT syndrome. Last evaluated: 2025-12-09. Review status: criteria provided, single submitter. Criteria: Invitae Variant Classification Sherloc (09022015). Collection method: clinical testing. Allele origin: germline.

Ambry Genetics
Classification: Benign for Cardiovascular phenotype. Last evaluated: 2021-04-22. Review status: criteria provided, single submitter. Criteria: Ambry Variant Classification Scheme 2023. Collection method: clinical testing. Allele origin: germline.